The following is an entry in ClinVar:

ClinVar aggregate classification (germline): Uncertain significance (1 of 4 stars; one submission).

Submission:

GeneDx
Classification: Uncertain significance. Last evaluated: 2025-05-22. Review status: criteria provided, single submitter. Criteria: GeneDx Variant Classification Process June 2021. Collection method: clinical testing. Allele origin: germline. Affected: yes.
Comment: Not observed at significant frequency in large population cohorts (gnomAD); Intronic +5 splice site variant in a gene for which loss of function is a known mechanism of disease, and both splice predictors and evolutionary conservation support a deleterious effect, although in the absence of functional evidence the actual effect of this sequence change is unknown.; Has not been previously published as pathogenic or benign to our knowledge

NM_001372044.2(SHANK3):c.2300+5G>A

Gene: SHANK3 (SH3 and multiple ankyrin repeat domains 3; plus strand). Cytogenetic location: 22q13.33.
Variant type: single nucleotide variant.
Coding change: c.2300+5G>A on transcript NM_001372044.2 (MANE Select); 5 bases into the intron after coding-DNA position 2300, G replaced by A.
Molecular consequence: intron variant.
Genome position (GRCh38, 1-based): chr22:50,706,157, G>A. VCF-style: chr22-50706157-G-A. GRCh37 (hg19) VCF-style: chr22-51144585-G-A.
Identifiers: ClinVar variation 4530865 (VCV004530865.1).